The following is an entry in ClinVar:

ClinVar aggregate classification (germline): Uncertain significance (1 of 4 stars; one submission).

Conditions:
Inborn genetic diseases. Identifiers: MedGen C0950123, MeSH D030342.

Allele frequency attached by ClinVar (database versions not stated): TOPMed below 0.00001; ExAC 0.00001; gnomAD 0.00001; gnomAD exomes 0.00001.
gnomAD v4.1: 5 of 1,200,907 alleles (0.00042%); highest among the groups gnomAD compares: Admixed American, 0.0089%; no homozygotes.

Submission:

Ambry Genetics
Classification: Uncertain significance for Inborn genetic diseases. Last evaluated: 2021-09-16. Review status: criteria provided, single submitter. Criteria: Ambry Variant Classification Scheme 2023. Collection method: clinical testing. Allele origin: germline.
Comment: The c.958A>G (p.R320G) alteration is located in exon 8 (coding exon 7) of the USP9X gene. This alteration results from an A to G substitution at nucleotide position 958, causing the arginine (R) at amino acid position 320 to be replaced by a glycine (G). Based on data from gnomAD, the G allele has an overall frequency of 0.0012% (2/167,376) total alleles studied; one heterozygous female and one hemizygous male. It was classified as a variant of uncertain significance (Johnson, 2020). This amino acid position is highly conserved in available vertebrate species. The in silico prediction for this alteration is inconclusive. Based on insufficient or conflicting evidence, the clinical significance of this alteration remains unclear.

Literature cited by the submitters: PubMed 31443933.

NM_001039591.3(USP9X):c.958A>G (p.Arg320Gly)

Gene: USP9X (ubiquitin specific peptidase 9 X-linked; plus strand). Cytogenetic location: Xp11.4.
Variant type: single nucleotide variant.
Coding change: c.958A>G on transcript NM_001039591.3 (MANE Select); coding-DNA position 958, A replaced by G.
Protein change: p.Arg320Gly; replaces arginine 320 with glycine.
Molecular consequence: missense variant.
Genome position (GRCh38, 1-based): chrX:41,141,153, A>G. VCF-style: chrX-41141153-A-G. GRCh37 (hg19) VCF-style: chrX-41000406-A-G.
Other names: c.958A>G, p.Arg320Gly (NM_001039590.3, NM_001410748.1, NM_001410749.1); short protein forms R320G.
Identifiers: ClinVar variation 2220573 (VCV002220573.2), dbSNP rs776708345, ClinGen allele CA10388383.
Genomic context (GRCh38, chrX:41,141,153, plus strand): 5'-AATGAAGCCAAAAATGATGCTCTTTCAATGATTATTAAATCTTTGAAGAATTTAGCTTCA[A>G]GGGTTCCAGGACAAGAAGAAACTGTTAAAAACTTAGAAATATTTAGGTTAAAAATGATAC-3'
Protein context (NP_001034680.2, residues 310-330): IIKSLKNLAS[Arg320Gly]VPGQEETVKN